The following is an entry in ClinVar:

ClinVar aggregate classification (germline): Likely benign (1 of 4 stars; one submission).

Conditions:
Aortic aneurysm, familial thoracic 7 (AAT7). Also called: AORTIC DISSECTION, FAMILIAL, WITH OR WITHOUT AORTIC ANEURYSM. Identifiers: MedGen C3151077, MONDO:0013418, OMIM 613780.

Allele frequency attached by ClinVar (database versions not stated): gnomAD 0.00044 and 0.00048; 1000 Genomes Project 30x 0.00047; 1000 Genomes Project 0.00060; TOPMed 0.00063.

Submission:

Illumina Laboratory Services, Illumina
Classification: Likely benign for Aortic aneurysm, familial thoracic 7. Last evaluated: 2018-01-13. Review status: criteria provided, single submitter. Criteria: ICSL Variant Classification Criteria 13 December 2019. Collection method: clinical testing. Allele origin: germline.
Comment: This variant was observed in the ICSL laboratory as part of a predisposition screen in an ostensibly healthy population. It had not been previously curated by ICSL or reported in the Human Gene Mutation Database (HGMD: prior to June 1st, 2018), and was therefore a candidate for classification through an automated scoring system. Utilizing variant allele frequency, disease prevalence and penetrance estimates, and inheritance mode, an automated score was calculated to assess if this variant is too frequent to cause the disease. Based on the score and internal cut-off values, a variant classified as likely benign is not then subjected to further curation. The score for this variant resulted in a classification of likely benign for this disease.

NM_053025.4(MYLK):c.*1070T>A

Genes: MYLK (myosin light chain kinase; minus strand), MYLK-AS1 (MYLK antisense RNA 1; plus strand). Cytogenetic location: 3q21.1.
Variant type: single nucleotide variant.
Coding change: c.*1070T>A on transcript NM_053025.4 (MANE Select); 1070 bases downstream of the stop codon, T replaced by A.
Molecular consequence: 3 prime UTR variant.
Genome position (GRCh38, 1-based): chr3:123,613,035, A>T on the plus strand (T>A on the coding strand, the complement: MYLK is on the minus strand). VCF-style: chr3-123613035-A-T. GRCh37 (hg19) VCF-style: chr3-123331882-A-T.
Other names: c.*1070T>A (NM_001321309.2, NM_053026.4, NM_053027.4 and 3 more transcripts).
Identifiers: ClinVar variation 899488 (VCV000899488.4), dbSNP rs185600011, ClinGen allele CA82936693.